The following is an entry in ClinVar:

NM_177438.3(DICER1):c.2774A>G (p.Glu925Gly)

Gene: DICER1 (dicer 1, ribonuclease III; minus strand). Cytogenetic location: 14q32.13.
Variant type: single nucleotide variant.
Coding change: c.2774A>G on transcript NM_177438.3 (MANE Select); coding-DNA position 2774, A replaced by G.
Protein change: p.Glu925Gly; replaces glutamic acid 925 with glycine.
Molecular consequence: missense variant.
Genome position (GRCh38, 1-based): chr14:95,107,638, T>C on the plus strand (A>G on the coding strand, the complement: DICER1 is on the minus strand). VCF-style: chr14-95107638-T-C. GRCh37 (hg19) VCF-style: chr14-95573975-T-C.
Other names: NM_177438.3(DICER1):c.2774A>G; p.Glu925Gly; c.2774A>G, p.Glu925Gly (NM_001195573.1, NM_001271282.3, NM_001291628.2 and 1 more transcripts); short protein forms E925G.
Identifiers: ClinVar variation 937744 (VCV000937744.15), dbSNP rs1891554361, ClinGen allele CA390879466.
Genomic context (GRCh38, chr14:95,107,638, plus strand): 5'-CACCATTTTCCTTTCCATTTAAATACCTACCTTGGAATGATAACGGCATCTTGGTAATCT[T>C]CTAATTTAAAAACAAAGGGTGTTTCTTTTGTATACTTTGTACTGGGAATGCCTATGCGAG-3'
Protein context (NP_803187.1, residues 915-935): TKETPFVFKL[Glu925Gly]DYQDAVIIPR

ClinVar aggregate classification (germline): Uncertain significance. Review status: reviewed by expert panel (3 of 4 stars). 4 submissions from 4 submitters: Uncertain significance (1). 3 of the submissions do not count toward it. Last evaluated 2025-01-07.

Conditions:
DICER1-related tumor predisposition. Also called: DICER1 syndrome; DICER1-related pleuropulmonary blastoma cancer predisposition syndrome. Identifiers: Orphanet 284343, MedGen C3839822, MONDO:0100216.
Ovarian cancer. Also called: OVARIAN CANCER, SOMATIC. Identifiers: Orphanet 213500, MedGen C1140680, MONDO:0008170, OMIM 167000.
Hereditary cancer-predisposing syndrome. Also called: Tumor predisposition; Hereditary neoplastic syndrome; Neoplastic Syndromes, Hereditary; Hereditary Cancer Syndrome. Identifiers: Orphanet 140162, MedGen C0027672, MeSH D009386, MONDO:0015356.

Submissions (4):

ClinGen DICER1 and miRNA-Processing Gene Variant Curation Expert Panel, ClinGen
Classification: Uncertain significance for DICER1-related tumor predisposition. Last evaluated: 2025-01-07. Review status: reviewed by expert panel. Criteria: ClinGen DICER1 ACMG Specifications DICER1 V1.3.0. Collection method: curation. Allele origin: germline. Inheritance: Autosomal dominant inheritance.
Comment: The NM_177438.3:c.2774A>G variant in DICER1 is a missense variant predicted to cause substitution of glutamic acid by glycine at amino acid 925 (p.Glu925Gly). Although this variant has been observed in germline cases, to our knowledge, this variant has not been reported in individuals with DICER1-related tumor predisposition (PS4 not met; Internal lab contributors). This variant is absent from gnomAD v4.1.0 (PM2_Supporting). In silico tools predict no damaging impact of the variant on protein function (REVEL: 0.225; MaxEntScan and SpliceAI: no effect on splicing) (BP4). Another missense variant, c.2773G>A (p.Glu925Lys), in the same codon has been reported (ClinVar Variation ID: 941599). However, this variant has not yet met the criteria to be classified as pathogenic by the ClinGen DICER1 VCEP (PM5 not met). In summary, this variant meets the criteria to be classified as a variant of uncertain significance for DICER1-related tumor predisposition based on the ACMG/AMP criteria applied, as specified by the ClinGen DICER1 VCEP: PM2_Supporting, BP4. (Bayesian Points: 0; VCEP specifications version 1.3.0; 01/07/2025).

Labcorp Genetics (formerly Invitae), Labcorp
Classification: Uncertain significance for DICER1-related tumor predisposition. Last evaluated: 2023-07-17. Review status: criteria provided, single submitter. Criteria: Invitae Variant Classification Sherloc (09022015). Collection method: clinical testing. Allele origin: germline. Not counted in ClinVar's aggregate classification.
Comment: ClinVar contains an entry for this variant (Variation ID: 937744). In summary, the available evidence is currently insufficient to determine the role of this variant in disease. Therefore, it has been classified as a Variant of Uncertain Significance. Advanced modeling of protein sequence and biophysical properties (such as structural, functional, and spatial information, amino acid conservation, physicochemical variation, residue mobility, and thermodynamic stability) performed at Invitae indicates that this missense variant is not expected to disrupt DICER1 protein function. This variant has not been reported in the literature in individuals affected with DICER1-related conditions. This variant is not present in population databases (gnomAD no frequency). This sequence change replaces glutamic acid, which is acidic and polar, with glycine, which is neutral and non-polar, at codon 925 of the DICER1 protein (p.Glu925Gly).

Ambry Genetics
Classification: Uncertain significance for Hereditary cancer-predisposing syndrome. Last evaluated: 2023-05-14. Review status: criteria provided, single submitter. Criteria: Ambry Variant Classification Scheme 2023. Collection method: clinical testing. Allele origin: germline. Not counted in ClinVar's aggregate classification.
Comment: The p.E925G variant (also known as c.2774A>G), located in coding exon 16 of the DICER1 gene, results from an A to G substitution at nucleotide position 2774. The glutamic acid at codon 925 is replaced by glycine, an amino acid with similar properties. This amino acid position is conserved. In addition, this alteration is predicted to be tolerated by in silico analysis. Since supporting evidence is limited at this time, the clinical significance of this alteration remains unclear.

Laboratory of Molecular Epidemiology of Birth Defects, West China Second University Hospital, Sichuan University
Classification: Likely pathogenic for Ovarian cancer. Last evaluated: 2022-01-01. Review status: criteria provided, single submitter. Criteria: ACMG Guidelines, 2015. Collection method: clinical testing. Allele origin: germline. Affected: yes. Not counted in ClinVar's aggregate classification.